The following is an entry in ClinVar:

NM_001127208.3(TET2):c.5333A>G (p.His1778Arg)

Genes: TET2 (tet methylcytosine dioxygenase 2; plus strand), TET2-AS1 (TET2 antisense RNA 1; minus strand). Cytogenetic location: 4q24.
Variant type: single nucleotide variant.
Coding change: c.5333A>G on transcript NM_001127208.3 (MANE Select); coding-DNA position 5333, A replaced by G.
Protein change: p.His1778Arg; replaces histidine 1778 with arginine.
Molecular consequence: missense variant.
Genome position (GRCh38, 1-based): chr4:105,275,843, A>G. VCF-style: chr4-105275843-A-G. GRCh37 (hg19) VCF-style: chr4-106197000-A-G.
Other names: c.5333A>G (NM_001127208.2); short protein forms H1778R.
Identifiers: ClinVar variation 135289 (VCV000135289.9), dbSNP rs62621450, ClinGen allele CA162234.

ClinVar aggregate classification (germline): Benign. Review status: criteria provided, multiple submitters, no conflicts (2 of 4 stars). 4 submissions from 4 submitters: Benign (3). 1 of the submissions does not count toward it. Last evaluated 2026-02-03.

Allele frequency attached by ClinVar (database versions not stated): gnomAD exomes 0.03433 and 0.03670; ExAC 0.04876; ESP Exome Variant Server 0.07687; gnomAD 0.07889 and 0.08307; 1000 Genomes Project 0.07907; 1000 Genomes Project 30x 0.08463; TOPMed 0.08523.
gnomAD v4.1: 60,435 of 1,551,808 alleles (3.9%); highest among the groups gnomAD compares: African/African-American, 21%; 2,446 homozygotes.

Submissions (4):

Labcorp Genetics (formerly Invitae), Labcorp
Classification: Benign. Last evaluated: 2026-02-03. Review status: criteria provided, single submitter. Criteria: Invitae Variant Classification Sherloc (09022015). Collection method: clinical testing. Allele origin: germline.

ARUP Laboratories, Molecular Genetics and Genomics, ARUP Laboratories
Classification: Benign. Last evaluated: 2025-05-23. Review status: criteria provided, single submitter. Criteria: ARUP Molecular Germline Variant Investigation Process 2024. Collection method: clinical testing. Allele origin: germline.

Mayo Clinic Laboratories, Mayo Clinic
Classification: Benign. Last evaluated: 2022-09-06. Review status: criteria provided, single submitter. Criteria: ACMG Guidelines, 2015. Collection method: clinical testing. Allele origin: germline. Observed: 26 variant alleles.

ITMI
No classification provided. Condition: AllHighlyPenetrant. Last evaluated: 2013-09-19. Review status: no classification provided. Collection method: reference population. Allele origin: germline. Not counted in ClinVar's aggregate classification.
Comment: Please see associated publication for description of ethnicities

Literature cited by the submitters: PubMed 24728327 (cited by ITMI).